The following is an entry in ClinVar:

NM_004999.4(MYO6):c.866_869del (p.Lys289fs)

Gene: MYO6 (myosin VI; plus strand). Cytogenetic location: 6q14.1.
Variant type: Deletion.
Coding change: c.866_869del on transcript NM_004999.4 (MANE Select); coding-DNA positions 866 to 869, 4 bases deleted (AACA; older notation c.866_869delAACA).
Protein change: p.Lys289fs; shifts the reading frame from lysine 289.
Molecular consequence: frameshift variant. On other transcripts: non-coding transcript variant (1).
Genome position (GRCh38, 1-based): chr6:75,844,946-75,844,949, AACA deleted; deleting any 4 consecutive bases within chr6:75,844,943-75,844,949 gives the same sequence; the c. name uses the placement nearest the transcript's 3' end. VCF-style (leftmost placement, unchanged base first): chr6-75844942-GACAA-G. GRCh37 (hg19) VCF-style: chr6-76554659-GACAA-G.
Other names: c.866_869del, p.Lys289fs (NM_001300899.2, NM_001368136.1, NM_001368137.1 and 2 more transcripts); c.851_854del, p.Lys284fs (NM_001368138.1); c.866_869delAACA (NM_004999.3); short protein forms K284fs, K289fs.
Identifiers: ClinVar variation 1064988 (VCV001064988.13), dbSNP rs749752357, ClinGen allele CA3896970.

ClinVar aggregate classification (germline): Pathogenic/Likely pathogenic. Review status: criteria provided, multiple submitters, no conflicts (2 of 4 stars). 7 submissions from 7 submitters: Pathogenic (5); Likely pathogenic (2). Last evaluated 2025-11-01.

Conditions:
Autosomal recessive nonsyndromic hearing loss 37. Identifiers: Orphanet 90636, MedGen C1843028, MONDO:0011912, OMIM 607821.
Autosomal dominant nonsyndromic hearing loss 22. Also called: Autosomal dominant nonsyndromic deafness 22; DFNA 22. Identifiers: Orphanet 228012, MedGen C2931767, MONDO:0011660, OMIM 606346.
Hearing impairment. Also called: Impaired Hearing. Identifiers: MedGen C1384666, MONDO:0005365, HP:0000365.
MYO6-related disorder. Also called: MYO6-related condition; MYO6-related disorders.

Submissions (7):

Labcorp Genetics (formerly Invitae), Labcorp
Classification: Pathogenic. Last evaluated: 2025-11-01. Review status: criteria provided, single submitter. Criteria: Invitae Variant Classification Sherloc (09022015). Collection method: clinical testing. Allele origin: germline.
Comment: This sequence change creates a premature translational stop signal (p.Lys289Argfs*17) in the MYO6 gene. It is expected to result in an absent or disrupted protein product. Loss-of-function variants in MYO6 are known to be pathogenic (PMID: 12687499, 18348273, 23767834, 25999546, 30582396). This variant is present in population databases (rs749752357, gnomAD 0.0009%). This premature translational stop signal has been observed in individual(s) with deafness (PMID: 21078986, 32143290). This variant is also known as c.862_865delACAA or c.863_866del. ClinVar contains an entry for this variant (Variation ID: 1064988). For these reasons, this variant has been classified as Pathogenic.

PreventionGenetics, part of Exact Sciences
Classification: Likely pathogenic for MYO6-related condition. Last evaluated: 2025-05-14. Review status: criteria provided, single submitter. Criteria: ACMG Guidelines, 2015. Collection method: clinical testing. Allele origin: germline.
Comment: The MYO6 c.866_869delAACA variant is predicted to result in a frameshift and premature protein termination (p.Lys289Argfs*17). This variant, alternatively referred to as c.862_865delACAA or c.863_866delACAA in the literature, has been reported in multiple individuals with autosomal dominant hearing loss (Shearer et al. 2010. PubMed ID: 21078986; Oka et al. 2020. PubMed ID: 32143290; Frohne et al. 2021. PubMed ID: 33710140). This variant is reported in 0.00088% of alleles in individuals of European (non-Finnish) descent in gnomAD. Frameshift variants in MYO6 are expected to be pathogenic. This variant is interpreted as likely pathogenic.

Fulgent Genetics
Classification: Pathogenic for Autosomal dominant nonsyndromic hearing loss 22; Autosomal recessive nonsyndromic hearing loss 37. Last evaluated: 2024-02-27. Review status: criteria provided, single submitter. Criteria: ACMG Guidelines, 2015. Collection method: clinical testing. Allele origin: germline.

GeneDx
Classification: Pathogenic. Last evaluated: 2023-07-17. Review status: criteria provided, single submitter. Criteria: GeneDx Variant Classification Process June 2021. Collection method: clinical testing. Allele origin: germline. Affected: yes.
Comment: Frameshift variant predicted to result in protein truncation or nonsense mediated decay in a gene for which loss of function is a known mechanism of disease; Not observed at significant frequency in large population cohorts (gnomAD); This variant is associated with the following publications: (PMID: 33710140, 32143290, 21078986, 33229591)

Blueprint Genetics
Classification: Pathogenic for MYO6-related disorders. Last evaluated: 2021-10-21. Review status: criteria provided, single submitter. Criteria: ACMG Guidelines, 2015. Collection method: clinical testing. Allele origin: germline. Affected: yes. Observed: 2 variant alleles.

Department of Otolaryngology – Head & Neck Surgery, Cochlear Implant Center
Classification: Likely pathogenic for Hearing impairment. Last evaluated: 2021-04-12. Review status: criteria provided, single submitter. Criteria: ClinGen HL ACMG Specifications v1. Collection method: clinical testing. Allele origin: germline. Affected: yes.
Comment: PVS1_Strong, PM2_Moderate

Juno Genomics, Hangzhou Juno Genomics, Inc
Classification: Pathogenic for Autosomal dominant nonsyndromic hearing loss 22; Autosomal recessive nonsyndromic hearing loss 37. Review status: criteria provided, single submitter. Criteria: ACMG Guidelines, 2015. Collection method: clinical testing. Allele origin: germline.
Comment: Absent from controls (or at extremely low frequency if recessive) in Genome Aggregation Database.;Null variant in a gene where loss of function (LOF) is a known mechanism of disease.;The prevalence of the variant in affected individuals is significantly increased compared to the prevalence in controls.

Literature cited by the submitters: PubMed 12687499 (cited by Labcorp Genetics (formerly Invitae), Labcorp); PubMed 18348273 (cited by Labcorp Genetics (formerly Invitae), Labcorp); PubMed 23767834 (cited by Labcorp Genetics (formerly Invitae), Labcorp); PubMed 25999546 (cited by Labcorp Genetics (formerly Invitae), Labcorp); PubMed 30582396 (cited by Labcorp Genetics (formerly Invitae), Labcorp); PubMed 21078986 (cited by Labcorp Genetics (formerly Invitae), Labcorp); PubMed 32143290 (cited by Labcorp Genetics (formerly Invitae), Labcorp).